The following is an entry in ClinVar:

NM_004341.5(CAD):c.5092T>G (p.Ser1698Ala)

Gene: CAD (carbamoyl-phosphate synthetase 2, aspartate transcarbamylase, and dihydroorotase; plus strand). Cytogenetic location: 2p23.3.
Variant type: single nucleotide variant.
Coding change: c.5092T>G on transcript NM_004341.5 (MANE Select); coding-DNA position 5092, T replaced by G.
Protein change: p.Ser1698Ala; replaces serine 1698 with alanine.
Molecular consequence: missense variant.
Genome position (GRCh38, 1-based): chr2:27,239,071, T>G. VCF-style: chr2-27239071-T-G. GRCh37 (hg19) VCF-style: chr2-27461939-T-G.
Other names: c.4903T>G, p.Ser1635Ala (NM_001306079.2); short protein forms S1698A, S1635A.
Identifiers: ClinVar variation 1990935 (VCV001990935.2), dbSNP rs746131842, ClinGen allele CA1573749.

ClinVar aggregate classification (germline): Uncertain significance (1 of 4 stars; one submission).

Allele frequency attached by ClinVar (database versions not stated): gnomAD exomes 0.00001; gnomAD 0.00002; TOPMed 0.00002; ExAC 0.00003.

Submission:

Labcorp Genetics (formerly Invitae), Labcorp
Classification: Uncertain significance. Last evaluated: 2024-02-26. Review status: criteria provided, single submitter. Criteria: Invitae Variant Classification Sherloc (09022015). Collection method: clinical testing. Allele origin: germline.
Comment: This sequence change replaces serine, which is neutral and polar, with alanine, which is neutral and non-polar, at codon 1698 of the CAD protein (p.Ser1698Ala). This variant is present in population databases (rs746131842, gnomAD 0.005%). This variant has not been reported in the literature in individuals affected with CAD-related conditions. ClinVar contains an entry for this variant (Variation ID: 1990935). Algorithms developed to predict the effect of missense changes on protein structure and function output the following: SIFT: "Not Available"; PolyPhen-2: "Benign"; Align-GVGD: "Not Available". The alanine amino acid residue is found in multiple mammalian species, which suggests that this missense change does not adversely affect protein function. In summary, the available evidence is currently insufficient to determine the role of this variant in disease. Therefore, it has been classified as a Variant of Uncertain Significance.